The following is an entry in ClinVar:

ClinVar aggregate classification (germline): Uncertain significance (1 of 4 stars; one submission).

Submission:

GeneDx
Classification: Uncertain significance. Last evaluated: 2025-02-16. Review status: criteria provided, single submitter. Criteria: GeneDx Variant Classification Process June 2021. Collection method: clinical testing. Allele origin: germline. Affected: yes.
Comment: Not observed at significant frequency in large population cohorts (gnomAD); In silico analysis supports that this missense variant has a deleterious effect on protein structure/function; Has not been previously published as pathogenic or benign to our knowledge

NM_020987.5(ANK3):c.539C>T (p.Ala180Val)

Gene: ANK3 (ankyrin 3; minus strand). Cytogenetic location: 10q21.2.
Variant type: single nucleotide variant.
Coding change: c.539C>T on transcript NM_020987.5 (MANE Select); coding-DNA position 539, C replaced by T.
Protein change: p.Ala180Val; replaces alanine 180 with valine.
Molecular consequence: missense variant.
Genome position (GRCh38, 1-based): chr10:60,263,995, G>A on the plus strand (C>T on the coding strand, the complement: ANK3 is on the minus strand). VCF-style: chr10-60263995-G-A. GRCh37 (hg19) VCF-style: chr10-62023753-G-A.
Other names: c.521C>T, p.Ala174Val (NM_001204403.2); c.488C>T, p.Ala163Val (NM_001204404.2); c.539C>T, p.Ala180Val (NM_001320874.2); short protein forms A163V, A174V, A180V.
Identifiers: ClinVar variation 4075656 (VCV004075656.1).